The following is an entry in ClinVar:

NM_000138.5(FBN1):c.284C>T (p.Ser95Leu)

Gene: FBN1 (fibrillin 1; minus strand). Cytogenetic location: 15q21.1.
Variant type: single nucleotide variant.
Coding change: c.284C>T on transcript NM_000138.5 (MANE Select); coding-DNA position 284, C replaced by T.
Protein change: p.Ser95Leu; replaces serine 95 with leucine.
Molecular consequence: missense variant.
Genome position (GRCh38, 1-based): chr15:48,610,790, G>A on the plus strand (C>T on the coding strand, the complement: FBN1 is on the minus strand). VCF-style: chr15-48610790-G-A. GRCh37 (hg19) VCF-style: chr15-48902987-G-A.
Other names: short protein forms S95L.
Identifiers: ClinVar variation 925755 (VCV000925755.22), dbSNP rs922684362, ClinGen allele CA270059090.

ClinVar aggregate classification (germline): Uncertain significance. Review status: criteria provided, multiple submitters, no conflicts (2 of 4 stars). 6 submissions from 6 submitters: Uncertain significance (4). 2 of the submissions do not count toward it. Last evaluated 2025-12-17.

Conditions:
Familial thoracic aortic aneurysm and aortic dissection (TAAD). Also called: Thoracic aortic aneurysms and dissections. Identifiers: Orphanet 91387, MedGen C4707243, MONDO:0019625.
Marfan syndrome (MFS). Also called: Marfan syndrome, classic; Marfan syndrome type 1; Marfan's syndrome; FBN1-Related Marfan Syndrome; MARFAN SYNDROME, TYPE I. Identifiers: Orphanet 284963, Orphanet 558, MedGen C0024796, MONDO:0007947, OMIM 154700.

Allele frequency attached by ClinVar (database versions not stated): gnomAD exomes 0.00001 and 0.00002; TOPMed below 0.00001; gnomAD 0.00001.

Submissions (6):

Labcorp Genetics (formerly Invitae), Labcorp
Classification: Uncertain significance for Marfan syndrome; Familial thoracic aortic aneurysm and aortic dissection. Last evaluated: 2025-12-17. Review status: criteria provided, single submitter. Criteria: Invitae Variant Classification Sherloc (09022015). Collection method: clinical testing. Allele origin: germline.
Comment: This sequence change replaces serine, which is neutral and polar, with leucine, which is neutral and non-polar, at codon 95 of the FBN1 protein (p.Ser95Leu). This variant is present in population databases (no rsID available, gnomAD 0.003%). This missense change has been observed in individual(s) with psychomotor delays and heart malformation (PMID: 28333917). ClinVar contains an entry for this variant (Variation ID: 925755). Invitae Evidence Modeling of protein sequence and biophysical properties (such as structural, functional, and spatial information, amino acid conservation, physicochemical variation, residue mobility, and thermodynamic stability) indicates that this missense variant is expected to disrupt FBN1 protein function with a positive predictive value of 80%. In summary, the available evidence is currently insufficient to determine the role of this variant in disease. Therefore, it has been classified as a Variant of Uncertain Significance.

Color Diagnostics, LLC DBA Color Health
Classification: Uncertain significance for Familial thoracic aortic aneurysm and aortic dissection. Last evaluated: 2025-07-02. Review status: criteria provided, single submitter. Criteria: ACMG Guidelines, 2015. Collection method: clinical testing. Allele origin: germline.
Comment: This missense variant replaces serine with leucine at codon 95 of the FBN1 protein. Computational prediction is inconclusive regarding the impact of this variant on protein structure and function. To our knowledge, functional studies have not been reported for this variant. This variant has been reported in an individual affected with psychomotor retardation and heart malformation (PMID: 28333917). This variant has been identified in 3/251380 chromosomes in the general population by the Genome Aggregation Database (gnomAD). The available evidence is insufficient to determine the role of this variant in disease conclusively. Therefore, this variant is classified as a Variant of Uncertain Significance.

All of Us Research Program, National Institutes of Health
Classification: Uncertain significance for Marfan syndrome. Last evaluated: 2024-03-04. Review status: criteria provided, single submitter. Criteria: ACMG Guidelines, 2015. Collection method: clinical testing. Allele origin: germline. Inheritance: Autosomal dominant inheritance. Observed: 3 variant alleles, 3 heterozygotes.
Comment: This missense variant replaces serine with leucine at codon 95 of the FBN1 protein. Computational prediction is inconclusive regarding the impact of this variant on protein structure and function (internally defined REVEL score threshold 0.5 < inconclusive < 0.7, PMID: 27666373). To our knowledge, functional studies have not been reported for this variant. This variant has been reported in an individual affected with psychomotor retardation and heart malformation (PMID: 28333917). This variant has been identified in 3/251380 chromosomes in the general population by the Genome Aggregation Database (gnomAD). The available evidence is insufficient to determine the role of this variant in disease conclusively. Therefore, this variant is classified as a Variant of Uncertain Significance.

This study involves interpretation of variants in research participants for the purpose of population health screening. Participant phenotype was not available at the time of variant classification. Additional details can be found in publication PMID: 35346344, PMCID: PMC8962531

GeneDx
Classification: Uncertain significance. Last evaluated: 2023-11-06. Review status: criteria provided, single submitter. Criteria: GeneDx Variant Classification Process June 2021. Collection method: clinical testing. Allele origin: germline. Affected: yes.
Comment: Not observed at a significant frequency in large population cohorts (gnomAD); In silico analysis supports that this missense variant does not alter protein structure/function; In silico analysis is inconclusive as to whether the variant alters gene splicing. In the absence of RNA/functional studies, the actual effect of this sequence change is unknown.; Although located in a calcium-binding EGF-like domain of the FBN1 gene, it does not affect a cysteine residue within this domain; cysteine substitutions in the calcium-binding EGF-like domains represent the majority of pathogenic missense changes associated with FBN1-related disorders (PMID: 12938084); This variant is associated with the following publications: (PMID: 12938084, 28333917)

Joint Genome Diagnostic Labs from Nijmegen and Maastricht, Radboudumc and MUMC+
Classification: Uncertain significance. Review status: no assertion criteria provided. Collection method: clinical testing. Allele origin: germline. Affected: yes. Study: VKGL Data-share Consensus. Not counted in ClinVar's aggregate classification.

Laboratory of Diagnostic Genome Analysis, Leiden University Medical Center (LUMC)
Classification: Uncertain significance. Review status: no assertion criteria provided. Collection method: clinical testing. Allele origin: germline. Affected: yes. Study: VKGL Data-share Consensus. Not counted in ClinVar's aggregate classification.

Literature cited by the submitters: PubMed 28333917 (cited by 3 submitters).